The following is an entry in ClinVar:

NM_016507.4(CDK12):c.3394C>T (p.Pro1132Ser)

Gene: CDK12 (cyclin dependent kinase 12; plus strand). Cytogenetic location: 17q12.
Variant type: single nucleotide variant.
Coding change: c.3394C>T on transcript NM_016507.4 (MANE Select); coding-DNA position 3394, C replaced by T.
Protein change: p.Pro1132Ser; replaces proline 1132 with serine.
Molecular consequence: missense variant.
Genome position (GRCh38, 1-based): chr17:39,525,950, C>T. VCF-style: chr17-39525950-C-T. GRCh37 (hg19) VCF-style: chr17-37682203-C-T.
Other names: c.3394C>T, p.Pro1132Ser (NM_015083.4); short protein forms P1132S.
Identifiers: ClinVar variation 3999301 (VCV003999301.1).

ClinVar aggregate classification (germline): Uncertain significance (1 of 4 stars; one submission).

gnomAD v4.1: 1 of 1,614,042 alleles (0.000062%); highest among the groups gnomAD compares: African/African-American, 0.0013%; no homozygotes.

Submission:

Ambry Genetics
Classification: Uncertain significance. Last evaluated: 2025-03-31. Review status: criteria provided, single submitter. Criteria: Ambry Variant Classification Scheme 2023. Collection method: clinical testing. Allele origin: germline.
Comment: The p.P1132S variant (also known as c.3394C>T), located in coding exon 13 of the CDK12 gene, results from a C to T substitution at nucleotide position 3394. The proline at codon 1132 is replaced by serine, an amino acid with similar properties. This amino acid position is conserved. In addition, this alteration is predicted to be tolerated by in silico analysis. Based on the available evidence, the clinical significance of this variant remains unclear.